The following is an entry in ClinVar:

ClinVar aggregate classification (germline): Likely benign. Review status: criteria provided, multiple submitters, no conflicts (2 of 4 stars). 3 submissions from 3 submitters: Likely benign (2). 1 of the submissions does not count toward it. Last evaluated 2024-10-24.

Conditions:
Facioscapulohumeral muscular dystrophy 2 (FSHD2). Also called: MUSCULAR DYSTROPHY, FACIOSCAPULOHUMERAL, TYPE 1B; FACIOSCAPULOHUMERAL MUSCULAR DYSTROPHY 2, DIGENIC; FSHD2, DIGENIC. Identifiers: Orphanet 269, MedGen C1834671, MONDO:0008031, OMIM 158901.
SMCHD1-related disorder. Also called: SMCHD1-related condition.

Allele frequency attached by ClinVar (database versions not stated): gnomAD exomes 0.00004; ExAC 0.00006; gnomAD 0.00009 and 0.00013.
gnomAD v4.1: 55 of 1,267,154 alleles (0.0043%); highest among the groups gnomAD compares: African/African-American, 0.022%; no homozygotes.

Submissions (3):

Labcorp Genetics (formerly Invitae), Labcorp
Classification: Likely benign for Facioscapulohumeral muscular dystrophy 2. Last evaluated: 2024-10-24. Review status: criteria provided, single submitter. Criteria: Invitae Variant Classification Sherloc (09022015). Collection method: clinical testing. Allele origin: germline.

Blueprint Genetics
Classification: Likely benign. Last evaluated: 2023-07-17. Review status: criteria provided, single submitter. Criteria: ACMG Guidelines, 2015. Collection method: clinical testing. Allele origin: germline.

PreventionGenetics, part of Exact Sciences
Classification: Likely benign for SMCHD1-related condition. Last evaluated: 2024-07-15. Review status: no assertion criteria provided. Collection method: clinical testing. Allele origin: germline. Not counted in ClinVar's aggregate classification.
Comment: This variant is classified as likely benign based on ACMG/AMP sequence variant interpretation guidelines (Richards et al. 2015 PMID: 25741868, with internal and published modifications).

NM_015295.3(SMCHD1):c.1843-19T>A

Gene: SMCHD1 (structural maintenance of chromosomes flexible hinge domain containing 1; plus strand). Cytogenetic location: 18p11.32.
Variant type: single nucleotide variant.
Coding change: c.1843-19T>A on transcript NM_015295.3 (MANE Select); 19 bases into the intron before coding-DNA position 1843, T replaced by A.
Molecular consequence: intron variant.
Genome position (GRCh38, 1-based): chr18:2,705,675, T>A. VCF-style: chr18-2705675-T-A. GRCh37 (hg19) VCF-style: chr18-2705673-T-A.
Other names: c.1843-19T>A (NM_015295.2).
Identifiers: ClinVar variation 1607774 (VCV001607774.10), dbSNP rs756749163, ClinGen allele CA8870816.